The following is an entry in ClinVar:

NM_001271.4(CHD2):c.2597C>T (p.Ser866Leu)

Gene: CHD2 (chromodomain helicase DNA binding protein 2; plus strand). Cytogenetic location: 15q26.1.
Variant type: single nucleotide variant.
Coding change: c.2597C>T on transcript NM_001271.4 (MANE Select); coding-DNA position 2597, C replaced by T.
Protein change: p.Ser866Leu; replaces serine 866 with leucine.
Molecular consequence: missense variant.
Genome position (GRCh38, 1-based): chr15:92,978,253, C>T. VCF-style: chr15-92978253-C-T. GRCh37 (hg19) VCF-style: chr15-93521483-C-T.
Other names: short protein forms S866L.
Identifiers: ClinVar variation 427169 (VCV000427169.7), dbSNP rs1085308000, ClinGen allele CA393893690.

ClinVar aggregate classification (germline): Conflicting classifications of pathogenicity. Review status: criteria provided, conflicting classifications (1 of 4 stars). 2 submissions from 2 submitters: Pathogenic (1); Uncertain significance (1). Last evaluated 2023-05-30.

Conditions:
Developmental and epileptic encephalopathy 94 (DEE94). Also called: Epileptic encephalopathy, childhood-onset; CHD2-Related Neurodevelopmental Disorders. Identifiers: Orphanet 1942, Orphanet 2382, MedGen C3809278, MONDO:0014150, OMIM 615369.

Submissions (2):

Labcorp Genetics (formerly Invitae), Labcorp
Classification: Uncertain significance for Developmental and epileptic encephalopathy 94. Last evaluated: 2023-05-30. Review status: criteria provided, single submitter. Criteria: Invitae Variant Classification Sherloc (09022015). Collection method: clinical testing. Allele origin: germline.
Comment: In summary, the available evidence is currently insufficient to determine the role of this variant in disease. Therefore, it has been classified as a Variant of Uncertain Significance. Advanced modeling of protein sequence and biophysical properties (such as structural, functional, and spatial information, amino acid conservation, physicochemical variation, residue mobility, and thermodynamic stability) has been performed at Invitae for this missense variant, however the output from this modeling did not meet the statistical confidence thresholds required to predict the impact of this variant on CHD2 protein function. ClinVar contains an entry for this variant (Variation ID: 427169). This missense change has been observed in individual(s) with clinical features of CHD2-related conditions (PMID: 31526516). This variant is not present in population databases (gnomAD no frequency). This sequence change replaces serine, which is neutral and polar, with leucine, which is neutral and non-polar, at codon 866 of the CHD2 protein (p.Ser866Leu).

GeneDx
Classification: Pathogenic. Last evaluated: 2022-12-31. Review status: criteria provided, single submitter. Criteria: GeneDx Variant Classification Process June 2021. Collection method: clinical testing. Allele origin: germline. Affected: yes.
Comment: Not observed at significant frequency in large population cohorts (gnomAD); In silico analysis supports that this missense variant has a deleterious effect on protein structure/function; This variant is associated with the following publications: (PMID: 31526516)

Literature cited by the submitters: PubMed 31526516 (cited by Labcorp Genetics (formerly Invitae), Labcorp).